The following is an entry in ClinVar:

NM_004527.4(MEOX1):c.189A>G (p.Ser63=)

Gene: MEOX1 (mesenchyme homeobox 1; minus strand). Cytogenetic location: 17q21.31.
Variant type: single nucleotide variant.
Coding change: c.189A>G on transcript NM_004527.4 (MANE Select); coding-DNA position 189, A replaced by G.
Protein change: p.Ser63=; no amino-acid change (serine 63 retained).
Molecular consequence: synonymous variant. On other transcripts: 5 prime UTR variant (1).
Genome position (GRCh38, 1-based): chr17:43,661,346, T>C on the plus strand (A>G on the coding strand, the complement: MEOX1 is on the minus strand). VCF-style: chr17-43661346-T-C. GRCh37 (hg19) VCF-style: chr17-41738714-T-C.
Other names: c.-157A>G (NM_001040002.2); c.189A>G, p.Ser63= (NM_013999.4).
Identifiers: ClinVar variation 725045 (VCV000725045.11), dbSNP rs367782056, ClinGen allele CA8592683.

ClinVar aggregate classification (germline): Likely benign. Review status: criteria provided, multiple submitters, no conflicts (2 of 4 stars). 3 submissions from 3 submitters: Likely benign (3). Last evaluated 2026-04-27.

Conditions:
MEOX1-related disorder. Also called: MEOX1-related condition.

Allele frequency attached by ClinVar (database versions not stated): gnomAD 0.00002 and 0.00005; TOPMed 0.00006; 1000 Genomes Project 30x 0.00016; 1000 Genomes Project 0.00020.
gnomAD v4.1: 49 of 1,613,228 alleles (0.003%); highest among the groups gnomAD compares: East Asian, 0.058%; no homozygotes.

Submissions (3):

PreventionGenetics, part of Exact Sciences
Classification: Likely benign for MEOX1-related condition. Last evaluated: 2026-04-27. Review status: criteria provided, single submitter. Criteria: ACMG Guidelines, 2015. Collection method: clinical testing. Allele origin: germline.
Comment: This variant is classified as likely benign based on ACMG/AMP sequence variant interpretation guidelines (Richards et al. 2015 PMID: 25741868, with internal and published modifications).

Labcorp Genetics (formerly Invitae), Labcorp
Classification: Likely benign. Last evaluated: 2025-11-22. Review status: criteria provided, single submitter. Criteria: Invitae Variant Classification Sherloc (09022015). Collection method: clinical testing. Allele origin: germline.

Blueprint Genetics
Classification: Likely benign. Last evaluated: 2024-10-28. Review status: criteria provided, single submitter. Criteria: ACMG Guidelines, 2015. Collection method: clinical testing. Allele origin: germline.